The following is an entry in ClinVar:

ClinVar aggregate classification (germline): Uncertain significance (1 of 4 stars; one submission).

gnomAD v4.1: 27 of 1,613,746 alleles (0.0017%); highest among the groups gnomAD compares: African/African-American, 0.0027%; no homozygotes.

Submission:

Ambry Genetics
Classification: Uncertain significance. Last evaluated: 2026-01-21. Review status: criteria provided, single submitter. Criteria: Ambry Variant Classification Scheme 2023. Collection method: clinical testing. Allele origin: germline.
Comment: The c.2342G>A (p.R781H) alteration is located in exon 17 (coding exon 17) of the GRIK4 gene. This alteration results from a G to A substitution at nucleotide position 2342, causing the arginine (R) at amino acid position 781 to be replaced by a histidine (H). Based on data from gnomAD, the A allele has an overall frequency of 0.001% (2/250984) total alleles studied. The highest observed frequency was 0.003% (1/34496) of Latino alleles. Based on insufficient or conflicting evidence, the clinical significance of this alteration remains unclear.

NM_014619.5(GRIK4):c.2342G>A (p.Arg781His)

Gene: GRIK4 (glutamate ionotropic receptor kainate type subunit 4; plus strand). Cytogenetic location: 11q23.3.
Variant type: single nucleotide variant.
Coding change: c.2342G>A on transcript NM_014619.5 (MANE Select); coding-DNA position 2342, G replaced by A.
Protein change: p.Arg781His; replaces arginine 781 with histidine.
Molecular consequence: missense variant.
Genome position (GRCh38, 1-based): chr11:120,967,270, G>A. VCF-style: chr11-120967270-G-A. GRCh37 (hg19) VCF-style: chr11-120837979-G-A.
Other names: c.2030G>A, p.Arg677His (NM_001440407.1); c.2342G>A, p.Arg781His (NM_001282470.3, NM_001440402.1); c.2180G>A, p.Arg727His (NM_001440403.1); c.2168G>A, p.Arg723His (NM_001440404.1, NM_001440405.1, NM_001440406.1); short protein forms R723H, R677H, R727H, R781H.
Identifiers: ClinVar variation 4839515 (VCV004839515.1).